The following is an entry in ClinVar:

NM_138927.4(SON):c.2396G>A (p.Ser799Asn)

Gene: SON (SON DNA and RNA binding protein; plus strand). Cytogenetic location: 21q22.11.
Variant type: single nucleotide variant.
Coding change: c.2396G>A on transcript NM_138927.4 (MANE Select); coding-DNA position 2396, G replaced by A.
Protein change: p.Ser799Asn; replaces serine 799 with asparagine.
Molecular consequence: missense variant. On other transcripts: non-coding transcript variant (1), intron variant (1).
Genome position (GRCh38, 1-based): chr21:33,551,627, G>A. VCF-style: chr21-33551627-G-A. GRCh37 (hg19) VCF-style: chr21-34923933-G-A.
Other names: c.2396G>A (NM_138927.2); c.2396G>A, p.Ser799Asn (NM_001291411.2, NM_032195.3); c.244+5248G>A (NM_001291412.3); short protein forms S799N.
Identifiers: ClinVar variation 1394701 (VCV001394701.7), dbSNP rs1212612604, ClinGen allele CA410157889.

ClinVar aggregate classification (germline): Uncertain significance. Review status: criteria provided, multiple submitters, no conflicts (2 of 4 stars). 2 submissions from 2 submitters: Uncertain significance (2). Last evaluated 2023-10-30.

Submissions (2):

GeneDx
Classification: Uncertain significance. Last evaluated: 2023-10-30. Review status: criteria provided, single submitter. Criteria: GeneDx Variant Classification Process June 2021. Collection method: clinical testing. Allele origin: germline. Affected: yes.
Comment: In silico analysis supports that this missense variant does not alter protein structure/function; Has not been previously published as pathogenic or benign to our knowledge

Labcorp Genetics (formerly Invitae), Labcorp
Classification: Uncertain significance. Last evaluated: 2022-07-15. Review status: criteria provided, single submitter. Criteria: Invitae Variant Classification Sherloc (09022015). Collection method: clinical testing. Allele origin: germline.
Comment: This sequence change replaces serine, which is neutral and polar, with asparagine, which is neutral and polar, at codon 799 of the SON protein (p.Ser799Asn). In summary, the available evidence is currently insufficient to determine the role of this variant in disease. Therefore, it has been classified as a Variant of Uncertain Significance. Algorithms developed to predict the effect of missense changes on protein structure and function output the following: SIFT: "Deleterious"; PolyPhen-2: "Possibly Damaging"; Align-GVGD: "Class C0". The asparagine amino acid residue is found in multiple mammalian species, which suggests that this missense change does not adversely affect protein function. ClinVar contains an entry for this variant (Variation ID: 1394701). This variant has not been reported in the literature in individuals affected with SON-related conditions. The frequency data for this variant in the population databases is considered unreliable, as metrics indicate poor data quality at this position in the gnomAD database.